The following is an entry in ClinVar:

ClinVar aggregate classification (germline): Likely pathogenic (1 of 4 stars; one submission).

gnomAD v4.1: 1 of 1,613,482 alleles (0.000062%); highest among the groups gnomAD compares: Non-Finnish European, 0.000085%; no homozygotes.

Submission:

Dasa
Classification: Likely pathogenic. Last evaluated: 2025-09-24. Review status: criteria provided, single submitter. Criteria: DASA Assertion Criteria. Collection method: clinical testing. Allele origin: germline.
Comment: NM_007289.4(MME):c.500G>A (p.Trp167*) is a nonsense variant in MME predicted to introduce a premature termination codon and is predicted to result in an absent or altered protein product. Loss of function is an established disease mechanism for MME-associated disorders. Published studies describe this variant in association with related phenotype (PMID: 30415211; PMID: 35212467). Also, this variant is rare in population databases. Based on the currently available evidence, this variant is classified as likely pathogenic.

Literature cited by the submitters: PubMed 30415211; PubMed 35212467.

NM_007289.4(MME):c.500G>A (p.Trp167Ter)

Gene: MME (membrane metalloendopeptidase; plus strand). Cytogenetic location: 3q25.2.
Variant type: single nucleotide variant.
Coding change: c.500G>A on transcript NM_007289.4 (MANE Select); coding-DNA position 500, G replaced by A.
Protein change: p.Trp167Ter; replaces tryptophan 167 with a stop codon.
Molecular consequence: nonsense.
Genome position (GRCh38, 1-based): chr3:155,116,724, G>A. VCF-style: chr3-155116724-G-A. GRCh37 (hg19) VCF-style: chr3-154834513-G-A.
Other names: c.500G>A, p.Trp167Ter (NM_000902.5, NM_001354642.2, NM_001354643.1 and 2 more transcripts); short protein forms W167*.
Identifiers: ClinVar variation 4885551 (VCV004885551.2).